The following is an entry in ClinVar:

ClinVar aggregate classification (germline): Benign/Likely benign. Review status: criteria provided, multiple submitters, no conflicts (2 of 4 stars). 3 submissions from 3 submitters: Benign (1); Likely benign (2). Last evaluated 2026-04-29.

Conditions:
Colorectal cancer, hereditary nonpolyposis, type 7. Identifiers: Orphanet 144, MedGen C1858380, MONDO:0013725, OMIM 614385.

Allele frequency attached by ClinVar (database versions not stated): gnomAD exomes 0.00001; ExAC 0.00002.
gnomAD v4.1: 3 of 1,614,050 alleles (0.00019%); highest among the groups gnomAD compares: Non-Finnish European, 0.00025%; no homozygotes.

Submissions (3):

Myriad Genetics, Inc.
Classification: Benign for Colorectal cancer, hereditary nonpolyposis, type 7. Last evaluated: 2026-04-29. Review status: criteria provided, single submitter. Criteria: Myriad Autosomal Dominant, Autosomal Recessive and X-Linked Classification Criteria (2023). Collection method: clinical testing. Allele origin: unknown.
Comment: This variant is considered benign. This variant is a silent/synonymous amino acid change and it is not expected to impact splicing.

Labcorp Genetics (formerly Invitae), Labcorp
Classification: Likely benign for Colorectal cancer, hereditary nonpolyposis, type 7. Last evaluated: 2020-05-13. Review status: criteria provided, single submitter. Criteria: Invitae Variant Classification Sherloc (09022015). Collection method: clinical testing. Allele origin: germline.

Ambry Genetics
Classification: Likely benign. Last evaluated: 2019-07-12. Review status: criteria provided, single submitter. Criteria: Ambry Variant Classification Scheme 2023. Collection method: clinical testing. Allele origin: germline.

NM_001040108.2(MLH3):c.565T>C (p.Leu189=)

Gene: MLH3 (mutL homolog 3; minus strand). Cytogenetic location: 14q24.3.
Variant type: single nucleotide variant.
Coding change: c.565T>C on transcript NM_001040108.2 (MANE Select); coding-DNA position 565, T replaced by C.
Protein change: p.Leu189=; no amino-acid change (leucine 189 retained).
Molecular consequence: synonymous variant.
Genome position (GRCh38, 1-based): chr14:75,049,091, A>G on the plus strand (T>C on the coding strand, the complement: MLH3 is on the minus strand). VCF-style: chr14-75049091-A-G. GRCh37 (hg19) VCF-style: chr14-75515794-A-G.
Other names: c.565T>C, p.Leu189= (NM_014381.3).
Identifiers: ClinVar variation 1113745 (VCV001113745.12), dbSNP rs757893863, ClinGen allele CA7276009.